The following is an entry in ClinVar:

ClinVar aggregate classification (germline): Benign. Review status: criteria provided, multiple submitters, no conflicts (2 of 4 stars). 2 submissions from 2 submitters: Benign (2). Last evaluated 2018-06-14.

Conditions:
Wolfram syndrome 1 (WFS1). Identifiers: Orphanet 3463, MedGen C4551693, MONDO:0009101, OMIM 222300.

Allele frequency attached by ClinVar (database versions not stated): 1000 Genomes Project 0.09445; 1000 Genomes Project 30x 0.09931; gnomAD 0.11250 and 0.11722; TOPMed 0.12089.
gnomAD v4.1: 17,133 of 152,216 alleles (11%); highest among the groups gnomAD compares: African/African-American, 23%; 1,463 homozygotes.

Submissions (2):

GeneDx
Classification: Benign. Last evaluated: 2018-06-14. Review status: criteria provided, single submitter. Criteria: GeneDx Variant Classification (06012015). Collection method: clinical testing. Allele origin: germline. Affected: yes.
Comment: This variant is considered likely benign or benign based on one or more of the following criteria: it is a conservative change, it occurs at a poorly conserved position in the protein, it is predicted to be benign by multiple in silico algorithms, and/or has population frequency not consistent with disease.

Clinical Genomics, Uppaluri K&H Personalized Medicine Clinic
Classification: Benign for Wolfram syndrome 1. Review status: criteria provided, single submitter. Criteria: K & H Uppaluri Personalized Medicine Clinic Variant Classification & Assertion Criteria_Updated V.1. Collection method: research. Allele origin: unknown. Inheritance: Autosomal recessive inheritance.
Comment: Potent mutations in WFS1 gene are associated with Wolfram's syndrome, an autosomal recessive condition, which cause diabetes mellitus, diabetes insipidus, deafness and optic atrophy.However no sufficient evidence is found to ascertain the role of this particular variant rs28729642 in Wolfram's syndrome yet.

Literature cited by the submitters: PubMed 20738327 (cited by Clinical Genomics, Uppaluri K&H Personalized Medicine Clinic); PubMed 33879153 (cited by Clinical Genomics, Uppaluri K&H Personalized Medicine Clinic); PubMed 12955714 (cited by Clinical Genomics, Uppaluri K&H Personalized Medicine Clinic); PubMed 18060660 (cited by Clinical Genomics, Uppaluri K&H Personalized Medicine Clinic); PubMed 20301750 (cited by Clinical Genomics, Uppaluri K&H Personalized Medicine Clinic); PubMed 17603484 (cited by Clinical Genomics, Uppaluri K&H Personalized Medicine Clinic).

NM_006005.3(WFS1):c.713-993C>T

Gene: WFS1 (wolframin ER transmembrane glycoprotein; plus strand). Cytogenetic location: 4p16.1.
Variant type: single nucleotide variant.
Coding change: c.713-993C>T on transcript NM_006005.3 (MANE Select); 993 bases into the intron before coding-DNA position 713, C replaced by T.
Molecular consequence: intron variant.
Genome position (GRCh38, 1-based): chr4:6,294,048, C>T. VCF-style: chr4-6294048-C-T. GRCh37 (hg19) VCF-style: chr4-6295775-C-T.
Other names: c.713-993C>T (NM_001145853.1).
Identifiers: ClinVar variation 671463 (VCV000671463.2), dbSNP rs28729642, ClinGen allele CA11860890.
Genomic context (GRCh38, chr4:6,294,048, plus strand): 5'-CCCCCAAGGCTGCCTCATCTCTTTGCTGCAGCTACACCTGGGTGCTGCCCCGACTCCTCT[C>T]CTCTTGCACACACAGCTGATCCATTAGGAGGTCTGTCAGCGCCCACTATCACGGCTGCCA-3'